The following is an entry in ClinVar:

NM_015915.5(ATL1):c.1022T>C (p.Leu341Ser)

Gene: ATL1 (atlastin GTPase 1; plus strand). Cytogenetic location: 14q22.1.
Variant type: single nucleotide variant.
Coding change: c.1022T>C on transcript NM_015915.5 (MANE Select); coding-DNA position 1022, T replaced by C.
Protein change: p.Leu341Ser; replaces leucine 341 with serine.
Molecular consequence: missense variant.
Genome position (GRCh38, 1-based): chr14:50,621,874, T>C. VCF-style: chr14-50621874-T-C. GRCh37 (hg19) VCF-style: chr14-51088592-T-C.
Other names: c.1022T>C, p.Leu341Ser (NM_001127713.1, NM_181598.4); short protein forms L341S.
Identifiers: ClinVar variation 4292390 (VCV004292390.1).

ClinVar aggregate classification (germline): Uncertain significance (1 of 4 stars; one submission).

Conditions:
Hereditary spastic paraplegia 3A (SPG3A). Also called: Spastic Paraplegia 3A; SPASTIC PARAPLEGIA 3, AUTOSOMAL DOMINANT; FAMILIAL SPASTIC PARAPLEGIA, AUTOSOMAL DOMINANT, 1; SPG3; STRUMPELL DISEASE; Spastic paraplegia 3A, autosomal dominant. Identifiers: Orphanet 100984, MedGen C2931355, MONDO:0008437, OMIM 182600.

Submission:

3billion
Classification: Uncertain significance for Hereditary spastic paraplegia 3A. Last evaluated: 2024-12-24. Review status: criteria provided, single submitter. Criteria: ACMG Guidelines, 2015. Collection method: clinical testing. Allele origin: germline. Affected: yes.
Comment: The variant is not observed in the gnomAD v4.1.0 dataset. Predicted Consequence/Location: Missense variant In silico tool predictions suggest damaging effect of the variant on gene or gene product [REVEL: 0.76 (>=0.6, sensitivity 0.68 and specificity 0.92); 3Cnet: 1.00 (>=0.6, sensitivity 0.72 and precision 0.9)]. Therefore, this variant is classified as VUS according to the recommendation of ACMG/AMP guideline.